The following is an entry in ClinVar:

NM_001164508.2(NEB):c.12278C>T (p.Pro4093Leu)

Gene: NEB (nebulin; minus strand). Cytogenetic location: 2q23.3.
Variant type: single nucleotide variant.
Coding change: c.12278C>T on transcript NM_001164508.2 (MANE Select); coding-DNA position 12278, C replaced by T.
Protein change: p.Pro4093Leu; replaces proline 4093 with leucine.
Molecular consequence: missense variant.
Genome position (GRCh38, 1-based): chr2:151,609,861, G>A on the plus strand (C>T on the coding strand, the complement: NEB is on the minus strand). VCF-style: chr2-151609861-G-A. GRCh37 (hg19) VCF-style: chr2-152466375-G-A.
Other names: c.12278C>T, p.Pro4093Leu (NM_001164507.2, NM_001271208.2); c.11549C>T, p.Pro3850Leu (NM_004543.5); c.11549C>T (NM_004543.4); short protein forms P4093L, P3850L.
Identifiers: ClinVar variation 451634 (VCV000451634.5), dbSNP rs749270501, ClinGen allele CA1908558.

ClinVar aggregate classification (germline): Uncertain significance. Review status: criteria provided, multiple submitters, no conflicts (2 of 4 stars). 4 submissions from 4 submitters: Uncertain significance (3). 1 of the submissions does not count toward it. Last evaluated 2024-09-11.

Conditions:
Inborn genetic diseases. Identifiers: MedGen C0950123, MeSH D030342.
Nemaline myopathy 2 (NEM2). Also called: Nemaline myopathy 2, autosomal recessive. Identifiers: MedGen C1850569, MONDO:0009725, OMIM 256030.

Allele frequency attached by ClinVar (database versions not stated): ExAC 0.00002; gnomAD exomes 0.00002; TOPMed 0.00003.
gnomAD v4.1: 35 of 1,609,818 alleles (0.0022%); highest among the groups gnomAD compares: East Asian, 0.0067%; no homozygotes.

Submissions (4):

Ambry Genetics
Classification: Uncertain significance for Inborn genetic diseases. Last evaluated: 2024-09-11. Review status: criteria provided, single submitter. Criteria: Ambry Variant Classification Scheme 2023. Collection method: clinical testing. Allele origin: germline.

Blueprint Genetics
Classification: Uncertain significance. Last evaluated: 2020-09-04. Review status: criteria provided, single submitter. Criteria: ACMG Guidelines, 2015. Collection method: clinical testing. Allele origin: germline.

GeneDx
Classification: Uncertain significance. Last evaluated: 2017-08-31. Review status: criteria provided, single submitter. Criteria: GeneDx Variant Classification (06012015). Collection method: clinical testing. Allele origin: germline. Affected: yes.
Comment: The P4093L variant has not been published as a pathogenic variant, nor has it been reported as a benign variant to our knowledge. The P4093L variant is not observed at a significant frequency in large population cohorts (Lek et al., 2016; 1000 Genomes Consortium et al., 2015; Exome Variant Server). This variant is a semi-conservative amino acid substitution, which may impact secondary protein structure as these residues differ in some properties. This substitution occurs at a position that is conserved across species, and in silico analysis predicts this variant is probably damaging to the protein structure/function. However, most reported pathogenic variants in the NEB gene are truncating/loss-of-function

Natera, Inc.
Classification: Uncertain significance for Nemaline myopathy type 2. Last evaluated: 2020-08-04. Review status: no assertion criteria provided. Collection method: clinical testing. Allele origin: germline. Not counted in ClinVar's aggregate classification.